The following is an entry in ClinVar:

NM_020911.2(PLXNA4):c.3672G>A (p.Gly1224=)

Gene: PLXNA4 (plexin A4; minus strand). Cytogenetic location: 7q32.3.
Variant type: single nucleotide variant.
Coding change: c.3672G>A on transcript NM_020911.2 (MANE Select); coding-DNA position 3672, G replaced by A.
Protein change: p.Gly1224=; no amino-acid change (glycine 1224 retained).
Molecular consequence: synonymous variant.
Genome position (GRCh38, 1-based): chr7:132,179,889, C>T on the plus strand (G>A on the coding strand, the complement: PLXNA4 is on the minus strand). VCF-style: chr7-132179889-C-T. GRCh37 (hg19) VCF-style: chr7-131864648-C-T.
Other names: c.3672G>A, p.Gly1224= (NM_001393897.1).
Identifiers: ClinVar variation 4987225 (VCV004987225.1).

ClinVar aggregate classification (germline): Likely benign (1 of 4 stars; one submission).

Conditions:
PLXNA4-related disorder. Also called: PLXNA4-related condition.

Submission:

PreventionGenetics, part of Exact Sciences
Classification: Likely benign for PLXNA4-related condition. Last evaluated: 2025-03-25. Review status: criteria provided, single submitter. Criteria: ACMG Guidelines, 2015. Collection method: clinical testing. Allele origin: germline.
Comment: This variant is classified as likely benign based on ACMG/AMP sequence variant interpretation guidelines (Richards et al. 2015 PMID: 25741868, with internal and published modifications).